The following is an entry in ClinVar:

ClinVar aggregate classification (germline): Uncertain significance (1 of 4 stars; one submission).

Conditions:
2-aminoadipic 2-oxoadipic aciduria (AAKAD). Also called: Aminoadipic aciduria; ALPHA-AMINOADIPIC AND ALPHA-KETOADIPIC ACIDURIA. Identifiers: Orphanet 79154, MedGen C1859817, MONDO:0008774, OMIM 204750.

Submissions (2):

Labcorp Genetics (formerly Invitae), Labcorp
Classification: Uncertain significance for 2-aminoadipic 2-oxoadipic aciduria. Last evaluated: 2025-02-04. Review status: criteria provided, single submitter. Criteria: Invitae Variant Classification Sherloc (09022015). Collection method: clinical testing. Allele origin: germline.
Comment: This sequence change falls in intron 8 of the DHTKD1 gene. It does not directly change the encoded amino acid sequence of the DHTKD1 protein. It affects a nucleotide within the consensus splice site. This variant is not present in population databases (gnomAD no frequency). This variant has not been reported in the literature in individuals affected with DHTKD1-related conditions. Variants that disrupt the consensus splice site are a relatively common cause of aberrant splicing (PMID: 17576681, 9536098). Algorithms developed to predict the effect of sequence changes on RNA splicing suggest that this variant may disrupt the consensus splice site. In summary, the available evidence is currently insufficient to determine the role of this variant in disease. Therefore, it has been classified as a Variant of Uncertain Significance.

Dr. Peter K. Rogan Lab, Western University
No classification provided (evidence only). Condition: Uterine corpus endometrial carcinoma. Review status: no classification provided. Collection method: in vitro. Allele origin: not applicable. Functional consequence: skipped exon, retained intron. Not counted in ClinVar's aggregate classification.

Literature cited by the submitters: PubMed 17576681 (cited by Labcorp Genetics (formerly Invitae), Labcorp); PubMed 9536098 (cited by Labcorp Genetics (formerly Invitae), Labcorp).

NM_018706.7(DHTKD1):c.1671+5G>A

Gene: DHTKD1 (dehydrogenase E1 and transketolase domain containing 1; plus strand). Cytogenetic location: 10p14.
Variant type: single nucleotide variant.
Coding change: c.1671+5G>A on transcript NM_018706.7 (MANE Select); 5 bases into the intron after coding-DNA position 1671, G replaced by A.
Molecular consequence: intron variant.
Genome position (GRCh38, 1-based): chr10:12,098,001, G>A. VCF-style: chr10-12098001-G-A. GRCh37 (hg19) VCF-style: chr10-12140000-G-A.
Other names: NC_000010.10:g.12140000G>A.
Identifiers: ClinVar variation 4360556 (VCV004360556.2).